The following is an entry in ClinVar:

ClinVar aggregate classification (germline): Pathogenic. Review status: criteria provided, single submitter (1 of 4 stars). 2 submissions from 2 submitters: Pathogenic (1). 1 of the submissions does not count toward it. Last evaluated 2026-02-09.

Conditions:
Poirier-Bienvenu neurodevelopmental syndrome (POBINDS). Identifiers: Orphanet 689397, MedGen C5231482, MONDO:0032889, OMIM 618732.

Submissions (2):

GeneDx
Classification: Pathogenic. Last evaluated: 2026-02-09. Review status: criteria provided, single submitter. Criteria: GeneDx Variant Classification Process June 2021. Collection method: clinical testing. Allele origin: germline.
Comment: Nonsense variant predicted to result in protein truncation or nonsense mediated decay in a gene for which loss of function is a known mechanism of disease; Not observed at significant frequency in large population cohorts (gnomAD); This variant is associated with the following publications: (PMID: 35571680)

Cologne Center for Genomics, Faculty of Medicine, University of Cologne
Classification: Pathogenic for Poirier-Bienvenu neurodevelopmental syndrome. Last evaluated: 2022-04-11. Review status: no assertion criteria provided. Collection method: research. Allele origin: de novo. Inheritance: Sporadic. Affected: yes. Not counted in ClinVar's aggregate classification.

NM_001320.7(CSNK2B):c.374C>G (p.Ser125Ter)

Gene: CSNK2B (casein kinase 2 beta; plus strand). Cytogenetic location: 6p21.33.
Variant type: single nucleotide variant.
Coding change: c.374C>G on transcript NM_001320.7 (MANE Select); coding-DNA position 374, C replaced by G.
Protein change: p.Ser125Ter; replaces serine 125 with a stop codon.
Molecular consequence: nonsense. On other transcripts: intron variant (1).
Genome position (GRCh38, 1-based): chr6:31,669,325, C>G. VCF-style: chr6-31669325-C-G. GRCh37 (hg19) VCF-style: chr6-31637102-C-G.
Other names: c.368-3C>G (NM_001282385.2); short protein forms S125*.
Identifiers: ClinVar variation 1676313 (VCV001676313.4), dbSNP rs2151188756, ClinGen allele CA363475686.